The following is an entry in ClinVar:

ClinVar aggregate classification (germline): Uncertain significance (1 of 4 stars; one submission).

Submission:

Labcorp Genetics (formerly Invitae), Labcorp
Classification: Uncertain significance. Last evaluated: 2021-10-03. Review status: criteria provided, single submitter. Criteria: Invitae Variant Classification Sherloc (09022015). Collection method: clinical testing. Allele origin: germline.
Comment: This sequence change replaces serine with cysteine at codon 94 of the ATF6 protein (p.Ser94Cys). The serine residue is moderately conserved and there is a moderate physicochemical difference between serine and cysteine. This variant is not present in population databases (ExAC no frequency). This variant has not been reported in the literature in individuals affected with ATF6-related conditions. Algorithms developed to predict the effect of missense changes on protein structure and function are either unavailable or do not agree on the potential impact of this missense change (SIFT: "Deleterious"; PolyPhen-2: "Probably Damaging"; Align-GVGD: "Class C0"). In summary, the available evidence is currently insufficient to determine the role of this variant in disease. Therefore, it has been classified as a Variant of Uncertain Significance.

NM_007348.4(ATF6):c.281C>G (p.Ser94Cys)

Gene: ATF6 (activating transcription factor 6; plus strand). Cytogenetic location: 1q23.3.
Variant type: single nucleotide variant.
Coding change: c.281C>G on transcript NM_007348.4 (MANE Select); coding-DNA position 281, C replaced by G.
Protein change: p.Ser94Cys; replaces serine 94 with cysteine.
Molecular consequence: missense variant.
Genome position (GRCh38, 1-based): chr1:161,784,023, C>G. VCF-style: chr1-161784023-C-G. GRCh37 (hg19) VCF-style: chr1-161753813-C-G.
Other names: short protein forms S94C.
Identifiers: ClinVar variation 1490327 (VCV001490327.6), dbSNP rs2101730899, ClinGen allele CA343385226.